The following is an entry in ClinVar:

ClinVar aggregate classification (germline): Pathogenic (1 of 4 stars; one submission).

Conditions:
Marfan syndrome (MFS). Also called: MARFAN SYNDROME, TYPE I; Marfan syndrome type 1; Marfan's syndrome; Marfan syndrome, classic; FBN1-Related Marfan Syndrome. Identifiers: Orphanet 284963, Orphanet 558, MedGen C0024796, MONDO:0007947, OMIM 154700.
Familial thoracic aortic aneurysm and aortic dissection (TAAD). Also called: Thoracic aortic aneurysms and dissections. Identifiers: Orphanet 91387, MedGen C4707243, MONDO:0019625.

Submission:

Labcorp Genetics (formerly Invitae), Labcorp
Classification: Pathogenic for Marfan syndrome; Familial thoracic aortic aneurysm and aortic dissection. Last evaluated: 2021-06-10. Review status: criteria provided, single submitter. Criteria: Invitae Variant Classification Sherloc (09022015). Collection method: clinical testing. Allele origin: germline.
Comment: This variant results in the deletion of part of exon 66 (c.8321_*8127del) of the FBN1 gene. While this deletion is not anticipated to lead to nonsense mediated decay, it is expected to alter mRNA translation or result in a truncated protein product. This variant has not been reported in the literature in individuals with FBN1-related conditions. This variant disrupts the C-terminus of the FBN1 protein. Other variant(s) that disrupt this region (p.Gly2859Valfs*4) have been determined to be pathogenic (Invitae). This suggests that variants that disrupt this region of the protein are likely to be causative of disease. For these reasons, this variant has been classified as Pathogenic.

NC_000015.9:g.(?_48695060)_(48703482_?)del

Gene: FBN1 (fibrillin 1; minus strand). Cytogenetic location: 15q21.1.
Variant type: Deletion.
Identifiers: ClinVar variation 1456277 (VCV001456277.4).